The following is an entry in ClinVar:

NM_000057.4(BLM):c.2555+5del

Gene: BLM (BLM RecQ like helicase; plus strand). Cytogenetic location: 15q26.1.
Variant type: Deletion.
Coding change: c.2555+5del on transcript NM_000057.4 (MANE Select); 5 bases into the intron after coding-DNA position 2555, one base deleted (G; older notation c.2555+5delG).
Molecular consequence: intron variant.
Genome position (GRCh38, 1-based): chr15:90,769,591, G deleted. VCF-style (leftmost placement, unchanged base first): chr15-90769590-AG-A. GRCh37 (hg19) VCF-style: chr15-91312820-AG-A.
Other names: c.2555+5del (NM_001287246.2, NM_001287247.2); c.1430+5del (NM_001287248.2).
Identifiers: ClinVar variation 1972939 (VCV001972939.5), dbSNP rs2505457572, ClinGen allele CA2580090746.

ClinVar aggregate classification (germline): Uncertain significance (1 of 4 stars; one submission).

Conditions:
Bloom syndrome (BLM). Also called: Bloom-Torre-Machacek syndrome. Identifiers: Orphanet 125, MedGen C0005859, MONDO:0008876, OMIM 210900.

Submission:

Labcorp Genetics (formerly Invitae), Labcorp
Classification: Uncertain significance for Bloom syndrome. Last evaluated: 2022-04-29. Review status: criteria provided, single submitter. Criteria: Invitae Variant Classification Sherloc (09022015). Collection method: clinical testing. Allele origin: germline.
Comment: In summary, the available evidence is currently insufficient to determine the role of this variant in disease. Therefore, it has been classified as a Variant of Uncertain Significance. Variants that disrupt the consensus splice site are a relatively common cause of aberrant splicing (PMID: 17576681, 9536098). Algorithms developed to predict the effect of sequence changes on RNA splicing suggest that this variant may disrupt the consensus splice site. This variant has not been reported in the literature in individuals affected with BLM-related conditions. This variant is not present in population databases (gnomAD no frequency). This sequence change falls in intron 12 of the BLM gene. It does not directly change the encoded amino acid sequence of the BLM protein. It affects a nucleotide within the consensus splice site.

Literature cited by the submitters: PubMed 17576681; PubMed 9536098.